The following is an entry in ClinVar:

NM_004366.6(CLCN2):c.1541_1542del (p.Thr514fs)

Gene: CLCN2 (chloride voltage-gated channel 2; minus strand). Cytogenetic location: 3q27.1.
Variant type: Microsatellite.
Coding change: c.1541_1542del on transcript NM_004366.6 (MANE Select); coding-DNA positions 1541 to 1542, 2 bases deleted (CA; older notation c.1541_1542delCA).
Protein change: p.Thr514fs; shifts the reading frame from threonine 514.
Molecular consequence: frameshift variant.
Genome position (GRCh38, 1-based): chr3:184,354,280-184,354,281, TG deleted on the plus strand (CA on the coding strand, the reverse complement: CLCN2 is on the minus strand); deleting any 2 consecutive bases within chr3:184,354,280-184,354,288 gives the same sequence; the c. name uses the placement nearest the transcript's 3' end. VCF-style (leftmost placement, unchanged base first): chr3-184354279-CTG-C. GRCh37 (hg19) VCF-style: chr3-184072067-CTG-C.
Other names: c.1490_1491del, p.Thr497fs (NM_001171087.3); c.1409_1410del, p.Thr470fs (NM_001171088.3); c.1541_1542del, p.Thr514fs (NM_001171089.3); short protein forms T514fs, T470fs, T497fs.
Identifiers: ClinVar variation 4765171 (VCV004765171.1).
Genomic context (GRCh38, chr3:184,354,279, plus strand): 5'-TGACAGGCAGGATGTGGGCAATCTGGCCTGTGAGCTCGAACACGATCACAGCCGTGGACA[CTG>C]TGTGTGTCACCGCTCCTGCCAGCGCAGCTGCCCCTGGGGACAGTCACACTCAGTCTCCTC-3'

ClinVar aggregate classification (germline): Pathogenic (1 of 4 stars; one submission).

Submission:

Labcorp Genetics (formerly Invitae), Labcorp
Classification: Pathogenic. Last evaluated: 2025-11-06. Review status: criteria provided, single submitter. Criteria: Invitae Variant Classification Sherloc (09022015). Collection method: clinical testing. Allele origin: germline.
Comment: This sequence change creates a premature translational stop signal (p.Thr514Serfs*40) in the CLCN2 gene. It is expected to result in an absent or disrupted protein product. Loss-of-function variants in CLCN2 are known to be pathogenic (PMID: 23707145). This variant is not present in population databases (gnomAD no frequency). This variant has not been reported in the literature in individuals affected with CLCN2-related conditions. For these reasons, this variant has been classified as Pathogenic.

Literature cited by the submitters: PubMed 23707145.